The following is an entry in ClinVar:

ClinVar aggregate classification (germline): Uncertain significance. Review status: criteria provided, multiple submitters, no conflicts (2 of 4 stars). 3 submissions from 3 submitters: Uncertain significance (3). Last evaluated 2025-05-30.

Conditions:
Emery-Dreifuss muscular dystrophy 4, autosomal dominant (EDMD4). Also called: EMERY-DREIFUSS MUSCULAR DYSTROPHY 4 WITH VARIABLE FEATURES. Identifiers: Orphanet 261, MedGen C2751807, MONDO:0013071, OMIM 612998.
Autosomal recessive ataxia, Beauce type. Also called: Spinocerebellar ataxia, autosomal recessive 8; ATAXIA, RECESSIVE, OF BEAUCE; SYNE1-Related Autosomal Recessive Cerebellar Ataxia; SYNE1 Deficiency. Identifiers: Orphanet 88644, MedGen C1853116, MONDO:0012549, OMIM 610743.

Allele frequency attached by ClinVar (database versions not stated): gnomAD 0.00001; gnomAD exomes 0.00001; TOPMed 0.00001; ExAC 0.00001.
gnomAD v4.1: 29 of 1,613,694 alleles (0.0018%); highest among the groups gnomAD compares: Non-Finnish European, 0.0024%; no homozygotes.

Submissions (3):

Revvity Omics, Revvity
Classification: Uncertain significance. Last evaluated: 2025-05-30. Review status: criteria provided, single submitter. Criteria: ACMG Guidelines, 2015. Collection method: clinical testing. Allele origin: germline.

Labcorp Genetics (formerly Invitae), Labcorp
Classification: Uncertain significance for Emery-Dreifuss muscular dystrophy 4, autosomal dominant; Autosomal recessive ataxia, Beauce type. Last evaluated: 2022-06-04. Review status: criteria provided, single submitter. Criteria: Invitae Variant Classification Sherloc (09022015). Collection method: clinical testing. Allele origin: germline.
Comment: This sequence change replaces glutamic acid, which is acidic and polar, with aspartic acid, which is acidic and polar, at codon 7591 of the SYNE1 protein (p.Glu7591Asp). This variant is present in population databases (rs763100950, gnomAD 0.002%). This variant has not been reported in the literature in individuals affected with SYNE1-related conditions. ClinVar contains an entry for this variant (Variation ID: 448584). Algorithms developed to predict the effect of missense changes on protein structure and function output the following: SIFT: "Tolerated"; PolyPhen-2: "Benign"; Align-GVGD: "Class C0". The aspartic acid amino acid residue is found in multiple mammalian species, which suggests that this missense change does not adversely affect protein function. In summary, the available evidence is currently insufficient to determine the role of this variant in disease. Therefore, it has been classified as a Variant of Uncertain Significance.

Athena Diagnostics
Classification: Uncertain significance. Last evaluated: 2017-04-14. Review status: criteria provided, single submitter. Criteria: Athena Diagnostics Criteria. Collection method: clinical testing. Allele origin: germline.

NM_182961.4(SYNE1):c.22986A>C (p.Glu7662Asp)

Gene: SYNE1 (spectrin repeat containing nuclear envelope protein 1; minus strand). Cytogenetic location: 6q25.2.
Variant type: single nucleotide variant.
Coding change: c.22986A>C on transcript NM_182961.4 (MANE Select); coding-DNA position 22986, A replaced by C.
Protein change: p.Glu7662Asp; replaces glutamic acid 7662 with aspartic acid.
Molecular consequence: missense variant.
Genome position (GRCh38, 1-based): chr6:152,206,201, T>G on the plus strand (A>C on the coding strand, the complement: SYNE1 is on the minus strand). VCF-style: chr6-152206201-T-G. GRCh37 (hg19) VCF-style: chr6-152527336-T-G.
Other names: c.22773A>C, p.Glu7591Asp (NM_033071.5); short protein forms E7591D, E7662D.
Identifiers: ClinVar variation 448584 (VCV000448584.9), dbSNP rs763100950, ClinGen allele CA4053739.